The following is an entry in ClinVar:

ClinVar aggregate classification (germline): Uncertain significance (1 of 4 stars; one submission).

Conditions:
Spondylocostal dysostosis 3, autosomal recessive (SCDO3). Also called: LFNG-Related Spondylocostal Dysostosis, Autosomal Recessive. Identifiers: Orphanet 2311, MedGen C1853296, MONDO:0012349, OMIM 609813.

Allele frequency attached by ClinVar (database versions not stated): gnomAD 0.00001; gnomAD exomes 0.00001; ExAC 0.00002; TOPMed 0.00002.
gnomAD v4.1: 10 of 1,612,918 alleles (0.00062%); highest among the groups gnomAD compares: Admixed American, 0.0067%; no homozygotes.

Submission:

Labcorp Genetics (formerly Invitae), Labcorp
Classification: Uncertain significance for Spondylocostal dysostosis 3, autosomal recessive. Last evaluated: 2023-07-28. Review status: criteria provided, single submitter. Criteria: Invitae Variant Classification Sherloc (09022015). Collection method: clinical testing. Allele origin: germline.
Comment: In summary, the available evidence is currently insufficient to determine the role of this variant in disease. Therefore, it has been classified as a Variant of Uncertain Significance. Advanced modeling of protein sequence and biophysical properties (such as structural, functional, and spatial information, amino acid conservation, physicochemical variation, residue mobility, and thermodynamic stability) performed at Invitae indicates that this missense variant is not expected to disrupt LFNG protein function. This missense change has been observed in individual(s) with clinical features of spondylocostal dysostosis (Invitae). This variant is present in population databases (rs752671299, gnomAD 0.006%). This sequence change replaces arginine, which is basic and polar, with tryptophan, which is neutral and slightly polar, at codon 286 of the LFNG protein (p.Arg286Trp).

NM_001040167.2(LFNG):c.856C>T (p.Arg286Trp)

Gene: LFNG (LFNG O-fucosylpeptide 3-beta-N-acetylglucosaminyltransferase; plus strand). Cytogenetic location: 7p22.3.
Variant type: single nucleotide variant.
Coding change: c.856C>T on transcript NM_001040167.2 (MANE Select); coding-DNA position 856, C replaced by T.
Protein change: p.Arg286Trp; replaces arginine 286 with tryptophan.
Molecular consequence: missense variant.
Genome position (GRCh38, 1-based): chr7:2,526,278, C>T. VCF-style: chr7-2526278-C-T. GRCh37 (hg19) VCF-style: chr7-2565912-C-T.
Other names: c.856C>T, p.Arg286Trp (NM_001040168.2); c.643C>T, p.Arg215Trp (NM_001166355.2); c.469C>T, p.Arg157Trp (NM_002304.3); short protein forms R157W, R215W, R286W.
Identifiers: ClinVar variation 2910207 (VCV002910207.2), dbSNP rs752671299, ClinGen allele CA4127182.